The following is an entry in ClinVar:

ClinVar aggregate classification (germline): Pathogenic (1 of 4 stars; one submission).

Conditions:
Hermansky-Pudlak syndrome 4 (HPS4). Identifiers: Orphanet 231500, Orphanet 79430, MedGen C3484357, MONDO:0013556, OMIM 614073.

Submission:

Juno Genomics, Hangzhou Juno Genomics, Inc
Classification: Pathogenic for Hermansky-Pudlak syndrome 4. Review status: criteria provided, single submitter. Criteria: ACMG Guidelines, 2015. Collection method: clinical testing. Allele origin: germline.
Comment: Absent from controls (or at extremely low frequency if recessive) in Genome Aggregation Database.;Null variant in a gene where loss of function (LOF) is a known mechanism of disease.;For recessive disorders, detected in trans with a pathogenic variant.;Patient's phenotype or family history is highly specific for a disease with a single genetic etiology.

NM_022081.6(HPS4):c.1858C>T (p.Gln620Ter)

Gene: HPS4 (HPS4 biogenesis of lysosomal organelles complex 3 subunit 2; minus strand). Cytogenetic location: 22q12.1.
Variant type: single nucleotide variant.
Coding change: c.1858C>T on transcript NM_022081.6 (MANE Select); coding-DNA position 1858, C replaced by T.
Protein change: p.Gln620Ter; replaces glutamine 620 with a stop codon.
Molecular consequence: nonsense. On other transcripts: non-coding transcript variant (8), intron variant (2).
Genome position (GRCh38, 1-based): chr22:26,457,956, G>A on the plus strand (C>T on the coding strand, the complement: HPS4 is on the minus strand). VCF-style: chr22-26457956-G-A. GRCh37 (hg19) VCF-style: chr22-26853922-G-A.
Other names: c.1858C>T, p.Gln620Ter (NM_001349896.1, NM_001349898.2, NM_001349899.2 and 3 more transcripts); c.1912C>T, p.Gln638Ter (NM_001349900.2, NM_001349901.1); c.1843C>T, p.Gln615Ter (NM_152841.2); c.1714-4552C>T (NM_001349902.1, NM_001349903.2); short protein forms Q615*, Q620*, Q638*.
Identifiers: ClinVar variation 5006476 (VCV005006476.2).
Genomic context (GRCh38, chr22:26,457,956, plus strand): 5'-ATTCGCTATGCATCAGGCTGACGGCCTGGAGGAAGCGGCGATCCTGCGGGGTGGCCACCT[G>A]CGGCAGGTTTGCTTCCAGAAGAGGACACAGAGTTGTGAAGAGCAGACAGTTACCTTCTGC-3'